The following is an entry in ClinVar:

ClinVar aggregate classification (germline): Conflicting classifications of pathogenicity. Review status: criteria provided, conflicting classifications (1 of 4 stars). 4 submissions from 4 submitters: Likely pathogenic (1); Uncertain significance (3). Last evaluated 2024-10-16.

Conditions:
Developmental and epileptic encephalopathy, 9 (DEE9). Also called: EPILEPSY, FEMALE-RESTRICTED, WITH MENTAL RETARDATION; Early infantile epileptic encephalopathy 9; PCDH19-Related X-Linked Female-Limited Epilepsy with Mental Retardation; JUBERG-HELLMAN SYNDROME. Identifiers: Orphanet 101039, Orphanet 2076, MedGen C1848137, MONDO:0010246, OMIM 300088. Disease mechanism: loss of function.

Submissions (4):

Labcorp Genetics (formerly Invitae), Labcorp
Classification: Uncertain significance for Developmental and epileptic encephalopathy, 9. Last evaluated: 2024-10-16. Review status: criteria provided, single submitter. Criteria: Invitae Variant Classification Sherloc (09022015). Collection method: clinical testing. Allele origin: germline.
Comment: This sequence change replaces serine, which is neutral and polar, with asparagine, which is neutral and polar, at codon 892 of the PCDH19 protein (p.Ser892Asn). This variant also falls at the last nucleotide of exon 4, which is part of the consensus splice site for this exon. This variant is not present in population databases (gnomAD no frequency). This missense change has been observed in individual(s) with PCDH19-related conditions (PMID: 30828795, 31665840, 31928905). ClinVar contains an entry for this variant (Variation ID: 807790). An algorithm developed to predict the effect of missense changes on protein structure and function (PolyPhen-2) suggests that this variant is likely to be disruptive. Variants that disrupt the consensus splice site are a relatively common cause of aberrant splicing (PMID: 17576681, 9536098). Algorithms developed to predict the effect of sequence changes on RNA splicing suggest that this variant may disrupt the consensus splice site. In summary, the available evidence is currently insufficient to determine the role of this variant in disease. Therefore, it has been classified as a Variant of Uncertain Significance.

Women's Health and Genetics/Laboratory Corporation of America, LabCorp
Classification: Uncertain significance. Last evaluated: 2024-10-01. Review status: criteria provided, single submitter. Criteria: LabCorp Variant Classification Summary - May 2015. Collection method: clinical testing. Allele origin: germline.
Comment: Variant summary: PCDH19 c.2675G>A (p.Ser892Asn) results in a conservative amino acid change in the encoded protein sequence. Three of five in-silico tools predict a benign effect of the variant on protein function. Several computational tools predict a significant impact on normal splicing: Three predict the variant weakens a 5' donor site. However, these predictions have yet to be confirmed by functional studies. The variant was absent in 180098 control chromosomes. The available data on variant occurrences in the general population are insufficient to allow any conclusion about variant significance. c.2675G>A has been reported in the literature in heterozygous individuals affected with Developmental And Epileptic Encephalopathy, 9 (Chen_2019, Sadleir_2020). These data do not allow any conclusion about variant significance. To our knowledge, no experimental evidence demonstrating an impact on protein function has been reported. The following publications have been ascertained in the context of this evaluation (PMID: 31665840, 31928905). ClinVar contains an entry for this variant (Variation ID: 807790). Based on the evidence outlined above, the variant was classified as uncertain significance.

GeneDx
Classification: Likely pathogenic. Last evaluated: 2024-09-10. Review status: criteria provided, single submitter. Criteria: GeneDx Variant Classification Process June 2021. Collection method: clinical testing. Allele origin: germline. Affected: yes.
Comment: Not observed at significant frequency in large population cohorts (gnomAD); In silico analysis indicates that this missense variant does not alter protein structure/function; This variant is associated with the following publications: (PMID: 31665840, 31928905, 30828795)

CeGaT Center for Human Genetics Tuebingen
Classification: Uncertain significance. Last evaluated: 2018-12-01. Review status: criteria provided, single submitter. Criteria: CeGaT Center For Human Genetics Tuebingen Variant Classification Criteria Version 2. Collection method: clinical testing. Allele origin: germline. Affected: yes. Observed: 1 variant allele.

Literature cited by the submitters: PubMed 30828795 (cited by Labcorp Genetics (formerly Invitae), Labcorp); PubMed 31665840 (cited by Labcorp Genetics (formerly Invitae), Labcorp and Women's Health and Genetics/Laboratory Corporation of America, LabCorp); PubMed 31928905 (cited by Labcorp Genetics (formerly Invitae), Labcorp and Women's Health and Genetics/Laboratory Corporation of America, LabCorp); PubMed 17576681 (cited by Labcorp Genetics (formerly Invitae), Labcorp); PubMed 9536098 (cited by Labcorp Genetics (formerly Invitae), Labcorp).

NM_001184880.2(PCDH19):c.2675G>A (p.Ser892Asn)

Gene: PCDH19 (protocadherin 19; minus strand). Cytogenetic location: Xq22.1.
Variant type: single nucleotide variant.
Coding change: c.2675G>A on transcript NM_001184880.2 (MANE Select); coding-DNA position 2675, G replaced by A.
Protein change: p.Ser892Asn; replaces serine 892 with asparagine.
Molecular consequence: missense variant.
Genome position (GRCh38, 1-based): chrX:100,350,646, C>T on the plus strand (G>A on the coding strand, the complement: PCDH19 is on the minus strand). VCF-style: chrX-100350646-C-T. GRCh37 (hg19) VCF-style: chrX-99605644-C-T.
Other names: c.2534G>A, p.Ser845Asn (NM_001105243.2, NM_020766.3); c.2675G>A (NM_001184880.1); short protein forms S845N, S892N.
Identifiers: ClinVar variation 807790 (VCV000807790.49), dbSNP rs1602600445, ClinGen allele CA414001019.
Genomic context (GRCh38, chrX:100,350,646, plus strand): 5'-TTTTGCTTTTTAATGTTAAATCAAGCTTAGTTGCAGCAATAAGCAAGCAAACCAACATAC[C>T]TCTTGATTAAATGGGCTCGGCTATTCACGTAGTTGGAGTCAAAAGAATAGTTTTCAGTCT-3'
Protein context (NP_001171809.1, residues 882-902): YVNSRAHLIK[Ser892Asn]SSTFKDLEGN